The following is an entry in ClinVar:

ClinVar aggregate classification (germline): Conflicting classifications of pathogenicity. Review status: criteria provided, conflicting classifications (1 of 4 stars). 2 submissions from 2 submitters: Uncertain significance (1); Likely benign (1). Last evaluated 2025-11-17.

Conditions:
Renal cell carcinoma. Identifiers: Orphanet 217071, MedGen C0007134, MeSH D002292, MONDO:0005086, HP:0005584.
Hereditary cancer-predisposing syndrome. Also called: Neoplastic Syndromes, Hereditary; Hereditary Cancer Syndrome; Tumor predisposition; Hereditary neoplastic syndrome. Identifiers: Orphanet 140162, MedGen C0027672, MeSH D009386, MONDO:0015356.

Allele frequency attached by ClinVar (database versions not stated): gnomAD below 0.00001 and 0.00001.
gnomAD v4.1: 2 of 1,594,030 alleles (0.00013%); highest among the groups gnomAD compares: South Asian, 0.0023%; no homozygotes.

Submissions (2):

Ambry Genetics
Classification: Likely benign for Hereditary cancer-predisposing syndrome. Last evaluated: 2025-11-17. Review status: criteria provided, single submitter. Criteria: Ambry Variant Classification Scheme 2023. Collection method: clinical testing. Allele origin: germline.

Labcorp Genetics (formerly Invitae), Labcorp
Classification: Uncertain significance for Renal cell carcinoma. Last evaluated: 2018-05-14. Review status: criteria provided, single submitter. Criteria: Invitae Variant Classification Sherloc (09022015). Collection method: clinical testing. Allele origin: germline.
Comment: In summary, the available evidence is currently insufficient to determine the role of this variant in disease. Therefore, it has been classified as a Variant of Uncertain Significance. Experimental studies have shown that this missense change results in a protein with decreased agonist binding and tumor promoting capabilities, inconsistent with the typical gain-of-function variants associated with MET-related disease (PMID: 28294470). This variant has been observed in a family affected with lung cancer (PMID: 28294470). This variant is present in population databases (rs776693512, ExAC 0.007%). This sequence change replaces asparagine with lysine at codon 375 of the MET protein (p.Asn375Lys). The asparagine residue is moderately conserved and there is a moderate physicochemical difference between asparagine and lysine.

Literature cited by the submitters: PubMed 28294470 (cited by Labcorp Genetics (formerly Invitae), Labcorp).

NM_000245.4(MET):c.1125C>A (p.Asn375Lys)

Gene: MET (MET proto-oncogene, receptor tyrosine kinase; plus strand). Cytogenetic location: 7q31.2.
Variant type: single nucleotide variant.
Coding change: c.1125C>A on transcript NM_000245.4 (MANE Select); coding-DNA position 1125, C replaced by A.
Protein change: p.Asn375Lys; replaces asparagine 375 with lysine.
Molecular consequence: missense variant. On other transcripts: intron variant (1).
Genome position (GRCh38, 1-based): chr7:116,700,209, C>A. VCF-style: chr7-116700209-C-A. GRCh37 (hg19) VCF-style: chr7-116340263-C-A.
Other names: c.1125C>A, p.Asn375Lys (NM_001127500.3, NM_001324401.3); c.-91+27632C>A (NM_001324402.2); short protein forms N375K.
Identifiers: ClinVar variation 572621 (VCV000572621.11), dbSNP rs776693512, ClinGen allele CA4448075.